The following is an entry in ClinVar:

ClinVar aggregate classification (germline): Uncertain significance (1 of 4 stars; one submission).

Submission:

Labcorp Genetics (formerly Invitae), Labcorp
Classification: Uncertain significance. Last evaluated: 2022-03-21. Review status: criteria provided, single submitter. Criteria: Invitae Variant Classification Sherloc (09022015). Collection method: clinical testing. Allele origin: germline.
Comment: In summary, the available evidence is currently insufficient to determine the role of this variant in disease. Therefore, it has been classified as a Variant of Uncertain Significance. This variant has not been reported in the literature in individuals affected with WARS2-related conditions. This variant is a gross deletion of the genomic region encompassing exon(s) 2-6 of the WARS2 gene, which includes the termination codon. This deletion extends beyond the assayed region for this gene and therefore may encompass additional genes. While this deletion is not anticipated to lead to nonsense mediated decay, it is expected to alter mRNA translation or result in a truncated protein product.

NC_000001.10:g.(?_119427355)_(119619250_?)dup

Genes: TBX15 (T-box transcription factor 15; minus strand), WARS2 (tryptophanyl tRNA synthetase 2, mitochondrial; minus strand). Cytogenetic location: 1p12.
Variant type: Duplication.
Identifiers: ClinVar variation 2426216 (VCV002426216.4).